The following is an entry in ClinVar:

ClinVar aggregate classification (germline): Pathogenic. Review status: criteria provided, multiple submitters, no conflicts (2 of 4 stars). 2 submissions from 2 submitters: Pathogenic (2). Last evaluated 2025-05-21.

Submissions (2):

Labcorp Genetics (formerly Invitae), Labcorp
Classification: Pathogenic. Last evaluated: 2025-05-21. Review status: criteria provided, single submitter. Criteria: Invitae Variant Classification Sherloc (09022015). Collection method: clinical testing. Allele origin: germline.
Comment: This sequence change creates a premature translational stop signal (p.Trp863*) in the SPTB gene. It is expected to result in an absent or disrupted protein product. Loss-of-function variants in SPTB are known to be pathogenic (PMID: 1391962, 1498324, 8844207, 26830532, 27292444). This variant is not present in population databases (gnomAD no frequency). This premature translational stop signal has been observed in individual(s) with hereditary spherocytosis (PMID: 35845192). ClinVar contains an entry for this variant (Variation ID: 3256271). For these reasons, this variant has been classified as Pathogenic.

Center for Genomic Medicine, Rigshospitalet, Copenhagen University Hospital
Classification: Pathogenic. Last evaluated: 2025-03-04. Review status: criteria provided, single submitter. Criteria: ACMG Guidelines, 2015. Collection method: clinical testing. Allele origin: germline.

Literature cited by the submitters: PubMed 1391962 (cited by Labcorp Genetics (formerly Invitae), Labcorp); PubMed 1498324 (cited by Labcorp Genetics (formerly Invitae), Labcorp); PubMed 8844207 (cited by Labcorp Genetics (formerly Invitae), Labcorp); PubMed 26830532 (cited by Labcorp Genetics (formerly Invitae), Labcorp); PubMed 27292444 (cited by Labcorp Genetics (formerly Invitae), Labcorp); PubMed 35845192 (cited by Labcorp Genetics (formerly Invitae), Labcorp and Center for Genomic Medicine, Rigshospitalet, Copenhagen University Hospital).

NM_001355436.2(SPTB):c.2588G>A (p.Trp863Ter)

Gene: SPTB (spectrin beta, erythrocytic; minus strand). Cytogenetic location: 14q23.3.
Variant type: single nucleotide variant.
Coding change: c.2588G>A on transcript NM_001355436.2 (MANE Select); coding-DNA position 2588, G replaced by A.
Protein change: p.Trp863Ter; replaces tryptophan 863 with a stop codon.
Molecular consequence: nonsense.
Genome position (GRCh38, 1-based): chr14:64,793,075, C>T on the plus strand (G>A on the coding strand, the complement: SPTB is on the minus strand). VCF-style: chr14-64793075-C-T. GRCh37 (hg19) VCF-style: chr14-65259793-C-T.
Other names: c.2588G>A, p.Trp863Ter (NM_001024858.4, NM_001355437.2); short protein forms W863*.
Identifiers: ClinVar variation 3256271 (VCV003256271.3).